The following is an entry in ClinVar:

ClinVar aggregate classification (germline): Uncertain significance (1 of 4 stars; one submission).

Conditions:
Nephronophthisis 14 (NPHP14). Identifiers: Orphanet 2318, MedGen C3539071, MONDO:0013916, OMIM 614844.

Submission:

Labcorp Genetics (formerly Invitae), Labcorp
Classification: Uncertain significance for Nephronophthisis 14. Last evaluated: 2022-03-06. Review status: criteria provided, single submitter. Criteria: Invitae Variant Classification Sherloc (09022015). Collection method: clinical testing. Allele origin: germline.
Comment: This sequence change replaces cysteine, which is neutral and slightly polar, with arginine, which is basic and polar, at codon 1117 of the ZNF423 protein (p.Cys1117Arg). This variant is not present in population databases (gnomAD no frequency). This variant has not been reported in the literature in individuals affected with ZNF423-related conditions. Algorithms developed to predict the effect of missense changes on protein structure and function are either unavailable or do not agree on the potential impact of this missense change (SIFT: "Deleterious"; PolyPhen-2: "Benign"; Align-GVGD: "Class C0"). In summary, the available evidence is currently insufficient to determine the role of this variant in disease. Therefore, it has been classified as a Variant of Uncertain Significance.

NM_001379286.1(ZNF423):c.3373T>C (p.Cys1125Arg)

Gene: ZNF423 (zinc finger protein 423; minus strand). Cytogenetic location: 16q12.1.
Variant type: single nucleotide variant.
Coding change: c.3373T>C on transcript NM_001379286.1 (MANE Select); coding-DNA position 3373, T replaced by C.
Protein change: p.Cys1125Arg; replaces cysteine 1125 with arginine.
Molecular consequence: missense variant.
Genome position (GRCh38, 1-based): chr16:49,635,803, A>G on the plus strand (T>C on the coding strand, the complement: ZNF423 is on the minus strand). VCF-style: chr16-49635803-A-G. GRCh37 (hg19) VCF-style: chr16-49669714-A-G.
Other names: c.3169T>C, p.Cys1057Arg (NM_001271620.2); c.2998T>C, p.Cys1000Arg (NM_001330533.2); c.3349T>C, p.Cys1117Arg (NM_015069.5); short protein forms C1057R, C1125R, C1000R, C1117R.
Identifiers: ClinVar variation 2107418 (VCV002107418.4), dbSNP rs557608915, ClinGen allele CA395839511.